The following is an entry in ClinVar:

NM_007294.4(BRCA1):c.5194-403T>A

Gene: BRCA1 (BRCA1 DNA repair associated; minus strand). Cytogenetic location: 17q21.31.
Variant type: single nucleotide variant.
Coding change: c.5194-403T>A on transcript NM_007294.4 (MANE Select); 403 bases into the intron before coding-DNA position 5194, T replaced by A.
Molecular consequence: intron variant.
Genome position (GRCh38, 1-based): chr17:43,057,538, A>T on the plus strand (T>A on the coding strand, the complement: BRCA1 is on the minus strand). VCF-style: chr17-43057538-A-T. GRCh37 (hg19) VCF-style: chr17-41209555-A-T.
Other names: c.1618-403T>A (NM_001408504.1, NM_001408503.1, NM_001408502.1); c.1741-403T>A (NM_001408463.1, NM_001408462.1, NM_001408458.1 and 7 more transcripts); c.5047-403T>A (NM_001407847.1, NM_001407841.1, NM_001407838.1 and 12 more transcripts); c.5050-403T>A (NM_001407740.1, NM_001407739.1, NM_001407741.1 and 21 more transcripts); c.1621-403T>A (NM_001408499.1, NM_001408498.1, NM_001408501.1 and 3 more transcripts); c.4927-403T>A (NM_001407933.1, NM_001407927.1, NM_001407931.1 and 4 more transcripts); c.4930-403T>A (NM_001407923.1, NM_001407922.1, NM_001407925.1 and 4 more transcripts); c.5053-403T>A (NM_001407725.1, NM_001407727.1, NM_001407724.1 and 13 more transcripts); and 72 more.
Identifiers: ClinVar variation 264854 (VCV000264854.2), dbSNP rs559234080, ClinGen allele CA10588194.

ClinVar aggregate classification (germline): Benign (3 of 4 stars; one submission).

Conditions:
Breast-ovarian cancer, familial, susceptibility to, 1 (BROVCA1). Also called: BRCA1 Hereditary Breast and Ovarian Cancer; OVARIAN CANCER, SUSCEPTIBILITY TO. Identifiers: Orphanet 145, MedGen C2676676, MONDO:0011450, OMIM 604370. Disease mechanism: loss of function.

Allele frequency attached by ClinVar (database versions not stated): gnomAD 0.00022; TOPMed 0.00024; 1000 Genomes Project 0.00359.
gnomAD v4.1: 29 of 137,412 alleles (0.021%); highest among the groups gnomAD compares: East Asian, 0.24%; no homozygotes.

Submission:

Evidence-based Network for the Interpretation of Germline Mutant Alleles (ENIGMA)
Classification: Benign for Breast-ovarian cancer, familial, susceptibility to, 1. Last evaluated: 2016-09-28. Review status: reviewed by expert panel. Criteria: ENIGMA BRCA1/2 Classification Criteria (2015). Collection method: curation. Allele origin: germline.
Comment: Class 1 not pathogenic based on frequency >1% in an outbred sampleset. Frequency 0.0129 (African), derived from 1000 genomes (2013-05-02).